The following is an entry in ClinVar:

NM_021813.4(BACH2):c.1162T>C (p.Phe388Leu)

Gene: BACH2 (BACH transcriptional regulator 2; minus strand). Cytogenetic location: 6q15.
Variant type: single nucleotide variant.
Coding change: c.1162T>C on transcript NM_021813.4 (MANE Select); coding-DNA position 1162, T replaced by C.
Protein change: p.Phe388Leu; replaces phenylalanine 388 with leucine.
Molecular consequence: missense variant.
Genome position (GRCh38, 1-based): chr6:89,950,944, A>G on the plus strand (T>C on the coding strand, the complement: BACH2 is on the minus strand). VCF-style: chr6-89950944-A-G. GRCh37 (hg19) VCF-style: chr6-90660663-A-G.
Other names: c.1162T>C, p.Phe388Leu (NM_001170794.2); short protein forms F388L.
Identifiers: ClinVar variation 1521581 (VCV001521581.8), dbSNP rs1288551445, ClinGen allele CA365071426.

ClinVar aggregate classification (germline): Uncertain significance (1 of 4 stars; one submission).

Allele frequency attached by ClinVar (database versions not stated): gnomAD exomes below 0.00001; TOPMed below 0.00001.
gnomAD v4.1: 1 of 1,573,606 alleles (0.000064%); highest among the groups gnomAD compares: Non-Finnish European, 0.000086%; no homozygotes.

Submission:

Labcorp Genetics (formerly Invitae), Labcorp
Classification: Uncertain significance. Last evaluated: 2020-10-24. Review status: criteria provided, single submitter. Criteria: Invitae Variant Classification Sherloc (09022015). Collection method: clinical testing. Allele origin: germline.
Comment: Algorithms developed to predict the effect of missense changes on protein structure and function output the following: SIFT: "Tolerated"; PolyPhen-2: "Benign"; Align-GVGD: "Class C0". The leucine amino acid residue is found in multiple mammalian species, suggesting that this missense change does not adversely affect protein function. These predictions have not been confirmed by published functional studies and their clinical significance is uncertain. In summary, the available evidence is currently insufficient to determine the role of this variant in disease. Therefore, it has been classified as a Variant of Uncertain Significance. This variant has not been reported in the literature in individuals with BACH2-related conditions. This variant is not present in population databases (ExAC no frequency). This sequence change replaces phenylalanine with leucine at codon 388 of the BACH2 protein (p.Phe388Leu). The phenylalanine residue is moderately conserved and there is a small physicochemical difference between phenylalanine and leucine.